The following is an entry in ClinVar:

NM_203486.3(DLL3):c.661C>T (p.Arg221Ter)

Gene: DLL3 (delta like canonical Notch ligand 3; plus strand). Cytogenetic location: 19q13.2.
Variant type: single nucleotide variant.
Coding change: c.661C>T on transcript NM_203486.3 (MANE Select); coding-DNA position 661, C replaced by T.
Protein change: p.Arg221Ter; replaces arginine 221 with a stop codon.
Molecular consequence: nonsense.
Genome position (GRCh38, 1-based): chr19:39,504,079, C>T. VCF-style: chr19-39504079-C-T. GRCh37 (hg19) VCF-style: chr19-39994719-C-T.
Other names: c.661C>T, p.Arg221Ter (NM_016941.4); short protein forms R221*.
Identifiers: ClinVar variation 391971 (VCV000391971.49), dbSNP rs200275281, ClinGen allele CA9432246.

ClinVar aggregate classification (germline): Pathogenic. Review status: criteria provided, multiple submitters, no conflicts (2 of 4 stars). 5 submissions from 5 submitters: Pathogenic (5). Last evaluated 2025-07-01.

Conditions:
Hemivertebrae. Identifiers: MedGen C0265677, HP:0002937.
Rib fusion. Identifiers: MedGen C0265695, HP:0000902.

gnomAD v4.1: 10 of 1,613,174 alleles (0.00062%); highest among the groups gnomAD compares: South Asian, 0.0022%; no homozygotes.

Submissions (5):

CeGaT Center for Human Genetics Tuebingen
Classification: Pathogenic. Last evaluated: 2025-07-01. Review status: criteria provided, single submitter. Criteria: CeGaT Center For Human Genetics Tuebingen Variant Classification Criteria Version 2. Collection method: clinical testing. Allele origin: germline. Affected: yes. Observed: 3 variant alleles.
Comment: DLL3: PVS1, PM2, PM3

Labcorp Genetics (formerly Invitae), Labcorp
Classification: Pathogenic. Last evaluated: 2023-09-11. Review status: criteria provided, single submitter. Criteria: Invitae Variant Classification Sherloc (09022015). Collection method: clinical testing. Allele origin: germline.
Comment: This variant is present in population databases (rs200275281, gnomAD 0.004%). This sequence change creates a premature translational stop signal (p.Arg221*) in the DLL3 gene. It is expected to result in an absent or disrupted protein product. Loss-of-function variants in DLL3 are known to be pathogenic (PMID: 12746394). For these reasons, this variant has been classified as Pathogenic. ClinVar contains an entry for this variant (Variation ID: 391971). This premature translational stop signal has been observed in individual(s) with spondylocostal dysostosis (PMID: 31680349).

Clinical Genetics Laboratory, Skane University Hospital Lund
Classification: Pathogenic. Last evaluated: 2022-12-09. Review status: criteria provided, single submitter. Criteria: ACMG Guidelines, 2015. Collection method: clinical testing. Allele origin: germline. Affected: yes.

Center for Reproductive Medicine, Peking University Third Hospital
Classification: Pathogenic for Hemivertebrae; Rib fusion. Last evaluated: 2019-10-16. Review status: criteria provided, single submitter. Criteria: ACMG Guidelines, 2015. Collection method: clinical testing. Allele origin: germline. Affected: yes.

GeneDx
Classification: Pathogenic. Last evaluated: 2016-12-16. Review status: criteria provided, single submitter. Criteria: GeneDx Variant Classification (06012015). Collection method: clinical testing. Allele origin: germline. Affected: yes.
Comment: The R221X nonsense variant in the DLL3 gene has been reported previously in association with spondylocostal dysostosis (Ottonello et al., 2014). This pathogenic variant is predicted to cause loss of normal protein function either through protein truncation or nonsense-mediated mRNA decay. The R221X variant was not observed in approximately 6500 individuals of European and African American ancestry in the NHLBI Exome Sequencing Project, indicating it is not a common benign variant in these populations. Multiple nonsense and other loss of function variants have been reported in the Human Gene Mutation Database in association with spondylocostal dysostosis (Stenson et al., 2014), supporting the functional importance of this protein.

Literature cited by the submitters: PubMed 12746394 (cited by Labcorp Genetics (formerly Invitae), Labcorp and Center for Reproductive Medicine, Peking University Third Hospital); PubMed 31680349 (cited by Labcorp Genetics (formerly Invitae), Labcorp and Center for Reproductive Medicine, Peking University Third Hospital).